The following is an entry in ClinVar:

NM_003502.4(AXIN1):c.762T>C (p.Asp254=)

Gene: AXIN1 (axin 1; minus strand). Cytogenetic location: 16p13.3.
Variant type: single nucleotide variant.
Coding change: c.762T>C on transcript NM_003502.4 (MANE Select); coding-DNA position 762, T replaced by C.
Protein change: p.Asp254=; no amino-acid change (aspartic acid 254 retained).
Molecular consequence: synonymous variant. On other transcripts: non-coding transcript variant (1).
Genome position (GRCh38, 1-based): chr16:346,264, A>G on the plus strand (T>C on the coding strand, the complement: AXIN1 is on the minus strand). VCF-style: chr16-346264-A-G. GRCh37 (hg19) VCF-style: chr16-396264-A-G.
Other names: c.762T>C, p.Asp254= (NM_181050.3).
Identifiers: ClinVar variation 402405 (VCV000402405.5), dbSNP rs1805105, ClinGen allele CA7774452.

ClinVar aggregate classification (germline): Benign. Review status: criteria provided, multiple submitters, no conflicts (2 of 4 stars). 2 submissions from 2 submitters: Benign (2). Last evaluated 2016-03-28.

Allele frequency attached by ClinVar (database versions not stated): gnomAD exomes 0.60719; ExAC 0.62184; 1000 Genomes Project 0.63898; 1000 Genomes Project 30x 0.65069; TOPMed 0.67675; gnomAD 0.68413 and 0.69027; ESP Exome Variant Server 0.71413.
gnomAD v4.1: 1,048,236 of 1,613,910 alleles (65%); highest among the groups gnomAD compares: African/African-American, 87%; 346,703 homozygotes.

Submissions (2):

Laboratory for Molecular Medicine, Mass General Brigham Personalized Medicine
Classification: Benign. Last evaluated: 2016-03-28. Review status: criteria provided, single submitter. Criteria: LMM Criteria. Collection method: clinical testing. Allele origin: germline.
Comment: Variant identified in a genome or exome case(s) and assessed due to predicted null impact of the variant or pathogenic assertions in the literature or databases. Disclaimer: This variant has not undergone full assessment. The following are preliminary notes: Frequency

Breakthrough Genomics
Classification: Benign. Review status: criteria provided, single submitter. Criteria: ACMG Guidelines, 2015. Collection method: not provided. Allele origin: germline. Inheritance: Other. Affected: yes.